The following is an entry in ClinVar:

ClinVar aggregate classification (germline): Likely pathogenic. Review status: criteria provided, multiple submitters, no conflicts (2 of 4 stars). 2 submissions from 2 submitters: Likely pathogenic (2). Last evaluated 2023-02-04.

Conditions:
Deficiency of alpha-mannosidase (MANSA). Also called: Alpha-Mannosidosis; Mannosidosis, alpha-, types I and II; LYSOSOMAL ALPHA-D-MANNOSIDASE DEFICIENCY. Identifiers: Orphanet 61, MedGen C0024748, MONDO:0009561, OMIM 248500.

Submissions (2):

Baylor Genetics
Classification: Likely pathogenic for Deficiency of alpha-mannosidase. Last evaluated: 2023-02-04. Review status: criteria provided, single submitter. Criteria: ACMG Guidelines, 2015. Collection method: clinical testing. Allele origin: unknown.

MGZ Medical Genetics Center
Classification: Likely pathogenic for Deficiency of alpha-mannosidase. Last evaluated: 2022-03-09. Review status: criteria provided, single submitter. Criteria: ACMG Guidelines, 2015. Collection method: clinical testing. Allele origin: germline. Affected: yes. Observed: 2 variant alleles.
Comment: ACMG criteria applied: PVS1, PM2_SUP

NM_000528.4(MAN2B1):c.2544_2568dup (p.Arg857fs)

Gene: MAN2B1 (mannosidase alpha class 2B member 1; minus strand). Cytogenetic location: 19p13.13.
Variant type: Duplication.
Coding change: c.2544_2568dup on transcript NM_000528.4 (MANE Select); coding-DNA positions 2544 to 2568, 25 bases duplicated (AGCCCAGGCTGCAGCCGCCGGACAC).
Protein change: p.Arg857fs; shifts the reading frame from arginine 857.
Molecular consequence: frameshift variant.
Genome position (GRCh38, 1-based): chr19:12,648,271-12,648,295, GTGTCCGGCGGCTGCAGCCTGGGCT duplicated on the plus strand (AGCCCAGGCTGCAGCCGCCGGACAC on the coding strand, the reverse complement: MAN2B1 is on the minus strand); duplicating any 25 consecutive bases within chr19:12,648,271-12,648,301 gives the same sequence; the c. name uses the placement nearest the transcript's 3' end. VCF-style (leftmost placement, unchanged base first): chr19-12648270-G-GGTGTCCGGCGGCTGCAGCCTGGGCT. GRCh37 (hg19) VCF-style: chr19-12759084-G-GGTGTCCGGCGGCTGCAGCCTGGGCT.
Other names: c.2541_2565dup, p.Arg856fs (NM_001173498.2); short protein forms R856fs, R857fs.
Identifiers: ClinVar variation 1709138 (VCV001709138.3), dbSNP rs2512486581, ClinGen allele CA2580096670.
Genomic context (GRCh38, chr19:12,648,270, plus strand): 5'-CGCCGCCACCCGGGGCCAGCACCACCTGAGGGGCCAGGACCTCCTGCTCCGCCAGGAGCC[G>GGTGTCCGGCGGCTGCAGCCTGGGCT]GTGTCCGGCGGCTGCAGCCTGGGCTGTGTCCAGCAGCACCAGGTGGCGCCCTCGCACCCA-3'